The following is an entry in ClinVar:

NM_170743.4(IFNLR1):c.225G>A (p.Ala75=)

Gene: IFNLR1 (interferon lambda receptor 1; minus strand). Cytogenetic location: 1p36.11.
Variant type: single nucleotide variant.
Coding change: c.225G>A on transcript NM_170743.4 (MANE Select); coding-DNA position 225, G replaced by A.
Protein change: p.Ala75=; no amino-acid change (alanine 75 retained).
Molecular consequence: synonymous variant.
Genome position (GRCh38, 1-based): chr1:24,169,559, C>T on the plus strand (G>A on the coding strand, the complement: IFNLR1 is on the minus strand). VCF-style: chr1-24169559-C-T. GRCh37 (hg19) VCF-style: chr1-24496049-C-T.
Other names: c.225G>A, p.Ala75= (NM_173064.3, NM_173065.3).
Identifiers: ClinVar variation 3352634 (VCV003352634.1).

ClinVar aggregate classification (germline): Likely benign (0 of 4 stars; one submission).

Conditions:
IFNLR1-related disorder. Also called: IFNLR1-related condition.

gnomAD v4.1: 369 of 1,614,134 alleles (0.023%); highest among the groups gnomAD compares: South Asian, 0.069%; no homozygotes.

Submission:

PreventionGenetics, part of Exact Sciences
Classification: Likely benign for IFNLR1-related condition. Last evaluated: 2024-07-25. Review status: no assertion criteria provided. Collection method: clinical testing. Allele origin: germline.
Comment: This variant is classified as likely benign based on ACMG/AMP sequence variant interpretation guidelines (Richards et al. 2015 PMID: 25741868, with internal and published modifications).